The following is an entry in ClinVar:

ClinVar aggregate classification (germline): Uncertain significance (1 of 4 stars; one submission).

Conditions:
Senior-Loken syndrome 8 (SLSN8). Identifiers: Orphanet 3156, MedGen C4225376, MONDO:0014579, OMIM 616307.
Asphyxiating thoracic dystrophy 5 (SRTD5). Also called: SHORT-RIB THORACIC DYSPLASIA 5 WITHOUT POLYDACTYLY; SHORT-RIB THORACIC DYSPLASIA 5 WITH OR WITHOUT POLYDACTYLY. Identifiers: Orphanet 474, MedGen C3280598, MONDO:0013717, OMIM 614376.

Allele frequency attached by ClinVar (database versions not stated): gnomAD exomes below 0.00001; ExAC 0.00003.
gnomAD v4.1: 1 of 1,581,810 alleles (0.000063%); highest among the groups gnomAD compares: Admixed American, 0.0018%; no homozygotes.

Submission:

Labcorp Genetics (formerly Invitae), Labcorp
Classification: Uncertain significance for Senior-Loken syndrome 8; Asphyxiating thoracic dystrophy 5. Last evaluated: 2021-12-24. Review status: criteria provided, single submitter. Criteria: Invitae Variant Classification Sherloc (09022015). Collection method: clinical testing. Allele origin: germline.
Comment: In summary, the available evidence is currently insufficient to determine the role of this variant in disease. Therefore, it has been classified as a Variant of Uncertain Significance. Algorithms developed to predict the effect of missense changes on protein structure and function are either unavailable or do not agree on the potential impact of this missense change (SIFT: "Deleterious"; PolyPhen-2: "Benign"; Align-GVGD: "Class C15"). This variant has not been reported in the literature in individuals affected with WDR19-related conditions. This variant is present in population databases (rs755540447, gnomAD 0.003%). This sequence change replaces proline, which is neutral and non-polar, with arginine, which is basic and polar, at codon 381 of the WDR19 protein (p.Pro381Arg).

NM_025132.4(WDR19):c.1142C>G (p.Pro381Arg)

Gene: WDR19 (WD repeat domain 19; plus strand). Cytogenetic location: 4p14.
Variant type: single nucleotide variant.
Coding change: c.1142C>G on transcript NM_025132.4 (MANE Select); coding-DNA position 1142, C replaced by G.
Protein change: p.Pro381Arg; replaces proline 381 with arginine.
Molecular consequence: missense variant.
Genome position (GRCh38, 1-based): chr4:39,216,103, C>G. VCF-style: chr4-39216103-C-G. GRCh37 (hg19) VCF-style: chr4-39217723-C-G.
Other names: c.662C>G, p.Pro221Arg (NM_001317924.2); short protein forms P221R, P381R.
Identifiers: ClinVar variation 2056918 (VCV002056918.2), dbSNP rs755540447, ClinGen allele CA2891787.